The following is an entry in ClinVar:

NM_018368.4(LMBRD1):c.562+1G>T

Gene: LMBRD1 (LMBR1 domain containing 1; minus strand). Cytogenetic location: 6q13.
Variant type: single nucleotide variant.
Coding change: c.562+1G>T on transcript NM_018368.4 (MANE Select); the canonical splice donor site of the intron after coding-DNA position 562, G replaced by T.
Molecular consequence: splice donor variant.
Genome position (GRCh38, 1-based): chr6:69,741,788, C>A on the plus strand (G>T on the coding strand, the complement: LMBRD1 is on the minus strand). VCF-style: chr6-69741788-C-A. GRCh37 (hg19) VCF-style: chr6-70451680-C-A.
Other names: c.343+1G>T (NM_001367272.1, NM_001367271.1, NM_001363722.2).
Identifiers: ClinVar variation 2883424 (VCV002883424.3), dbSNP rs372279393, ClinGen allele CA3879865.
Genomic context (GRCh38, chr6:69,741,788, plus strand): 5'-CAAAAGTCCAAAGTATCAGGAAATATAAACTACTATGTTTTTTAAAAAAAACAATACTTA[C>A]GACTACTTCCAAGTTCTTCAAATAGGGACTTCACTTTTTCCCACTCTGTAGAATTTTTGT-3'

ClinVar aggregate classification (germline): Likely pathogenic (1 of 4 stars; one submission).

Conditions:
Methylmalonic aciduria and homocystinuria type cblF. Also called: VITAMIN B12 LYSOSOMAL RELEASE DEFECT; VITAMIN B12 STORAGE DISEASE; METHYLMALONIC ACIDEMIA AND HOMOCYSTINURIA, cblF TYPE; METHYLMALONIC ACIDURIA DUE TO VITAMIN B12-RELEASE DEFECT; COBALAMIN F DISEASE; COBALAMIN, DEFECT IN LYSOSOMAL RELEASE OF. Identifiers: Orphanet 79284, MedGen C1848578, MONDO:0010183, OMIM 277380.

Allele frequency attached by ClinVar (database versions not stated): TOPMed below 0.00001.
gnomAD v4.1: 13 of 1,543,168 alleles (0.00084%); highest among the groups gnomAD compares: Non-Finnish European, 0.0012%; no homozygotes.

Submission:

Labcorp Genetics (formerly Invitae), Labcorp
Classification: Likely pathogenic for Methylmalonic aciduria and homocystinuria type cblF. Last evaluated: 2024-02-13. Review status: criteria provided, single submitter. Criteria: Invitae Variant Classification Sherloc (09022015). Collection method: clinical testing. Allele origin: germline.
Comment: This sequence change affects a donor splice site in intron 6 of the LMBRD1 gene. It is expected to disrupt RNA splicing. Variants that disrupt the donor or acceptor splice site typically lead to a loss of protein function (PMID: 16199547), and loss-of-function variants in LMBRD1 are known to be pathogenic (PMID: 19136951, 21303734). This variant is present in population databases (rs372279393, gnomAD 0.003%). This variant has not been reported in the literature in individuals affected with LMBRD1-related conditions. Algorithms developed to predict the effect of sequence changes on RNA splicing suggest that this variant may disrupt the consensus splice site. In summary, the currently available evidence indicates that the variant is pathogenic, but additional data are needed to prove that conclusively. Therefore, this variant has been classified as Likely Pathogenic.

Literature cited by the submitters: PubMed 16199547; PubMed 19136951; PubMed 21303734.